The following is an entry in ClinVar:

NM_001322934.2(NFKB2):c.565A>G (p.Ile189Val)

Gene: NFKB2 (nuclear factor kappa B subunit 2; plus strand). Cytogenetic location: 10q24.32.
Variant type: single nucleotide variant.
Coding change: c.565A>G on transcript NM_001322934.2 (MANE Select); coding-DNA position 565, A replaced by G.
Protein change: p.Ile189Val; replaces isoleucine 189 with valine.
Molecular consequence: missense variant.
Genome position (GRCh38, 1-based): chr10:102,397,589, A>G. VCF-style: chr10-102397589-A-G. GRCh37 (hg19) VCF-style: chr10-104157346-A-G.
Other names: c.565A>G, p.Ile189Val (NM_001077493.1, NM_001077494.3, NM_001261403.3 and 3 more transcripts); short protein forms I189V.
Identifiers: ClinVar variation 2198730 (VCV002198730.4), dbSNP rs2061140048, ClinGen allele CA377897002.
Genomic context (GRCh38, chr10:102,397,589, plus strand): 5'-GCCGAGCAGCGGGAGCTGGAGCAAGAGGCCAAAGAACTGAAGAAGGTGATGGATCTGAGT[A>G]TAGTGCGGCTGCGCTTCTCTGCCTTCCTTAGAGCCAGTGATGGCTCCTTCTCCCTGCCCC-3'
Protein context (NP_001309863.1, residues 179-199): KELKKVMDLS[Ile189Val]VRLRFSAFLR

ClinVar aggregate classification (germline): Uncertain significance (1 of 4 stars; one submission).

Conditions:
Immunodeficiency, common variable, 10. Also called: DEFICIT IN ANTERIOR PITUITARY FUNCTION AND VARIABLE IMMUNODEFICIENCY; IMMUNODEFICIENCY, COMMON VARIABLE, WITH CENTRAL ADRENAL INSUFFICIENCY. Identifiers: MedGen C3809991, MONDO:0014260, OMIM 615577.

Allele frequency attached by ClinVar (database versions not stated): TOPMed below 0.00001.
gnomAD v4.1: 1 of 1,614,096 alleles (0.000062%); highest among the groups gnomAD compares: Non-Finnish European, 0.000085%; no homozygotes.

Submission:

Labcorp Genetics (formerly Invitae), Labcorp
Classification: Uncertain significance for Immunodeficiency, common variable, 10. Last evaluated: 2026-01-24. Review status: criteria provided, single submitter. Criteria: Invitae Variant Classification Sherloc (09022015). Collection method: clinical testing. Allele origin: germline.
Comment: This sequence change replaces isoleucine, which is neutral and non-polar, with valine, which is neutral and non-polar, at codon 189 of the NFKB2 protein (p.Ile189Val). This variant is not present in population databases (gnomAD no frequency). This variant has not been reported in the literature in individuals affected with NFKB2-related conditions. ClinVar contains an entry for this variant (Variation ID: 2198730). An algorithm developed to predict the effect of missense changes on protein structure and function (PolyPhen-2) suggests that this variant is likely to be tolerated. In summary, the available evidence is currently insufficient to determine the role of this variant in disease. Therefore, it has been classified as a Variant of Uncertain Significance.